The following is an entry in ClinVar:

NM_018489.3(ASH1L):c.6178-2A>G

Gene: ASH1L (ASH1 like histone lysine methyltransferase; minus strand). Cytogenetic location: 1q22.
Variant type: single nucleotide variant.
Coding change: c.6178-2A>G on transcript NM_018489.3 (MANE Select); the canonical splice acceptor site of the intron before coding-DNA position 6178, A replaced by G.
Molecular consequence: splice acceptor variant.
Genome position (GRCh38, 1-based): chr1:155,378,550, T>C on the plus strand (A>G on the coding strand, the complement: ASH1L is on the minus strand). VCF-style: chr1-155378550-T-C. GRCh37 (hg19) VCF-style: chr1-155348341-T-C.
Other names: c.6193-2A>G (NM_001366177.2).
Identifiers: ClinVar variation 4075766 (VCV004075766.2).

ClinVar aggregate classification (germline): Pathogenic. Review status: criteria provided, multiple submitters, no conflicts (2 of 4 stars). 2 submissions from 2 submitters: Pathogenic (2). Last evaluated 2025-07-01.

Conditions:
Intellectual developmental disorder, autosomal dominant 52. Also called: Intellectual disability, autosomal dominant 52; Mental retardation, autosomal dominant 52. Identifiers: MedGen C4540478, MONDO:0030918, OMIM 617796.

Submissions (2):

GeNE CliniK, Regional Hospital Limbe
Classification: Pathogenic for Intellectual developmental disorder, autosomal dominant 52. Last evaluated: 2025-07-01. Review status: criteria provided, single submitter. Criteria: ACMG Guidelines, 2015. Collection method: research. Allele origin: de novo. Inheritance: Autosomal dominant inheritance. Affected: yes.
Comment: The NM_018489.3:c.6178-2A>G variant in ASH1L is a heterozygous splice acceptor change predicted to abolish normal splicing (SpliceAI ΔS acceptor loss = 0.97). The predicted loss of normal splicing is expected to result in a truncated or absent protein product (PVS1). Based on ACMG/AMP criteria (PVS1, PM2, PS2), this variant is classified as Pathogenic.

Centre for Human Genetics, University of Kinshasa
Classification: Pathogenic for Intellectual developmental disorder, autosomal dominant 52. Review status: criteria provided, single submitter. Criteria: ACMG Guidelines, 2015. Collection method: research. Allele origin: de novo. Inheritance: Autosomal dominant inheritance. Affected: yes.
Comment: This variants is in ASH1L and associated with ASH1L-related intellectual disability. The variant occurred de novo, with confirmed parentage. The variant leads to splice alteration in a gene in which altered gene product is a known mechanism of pathogenicity for the condition. The variant is absent from both gnomAD and ClinVar. We classified this variant as Likely Pathogenic based on the following items PM2, PP3, PS2. The posterior probability score of pathogenicity of 0.949.

Literature cited by the submitters: PubMed 29300386 (cited by Centre for Human Genetics, University of Kinshasa).